The following is an entry in ClinVar:

ClinVar aggregate classification (germline): Pathogenic (1 of 4 stars; one submission).

Conditions:
Sialuria. Also called: SIALURIA, FRENCH TYPE; Sialic Acid Storage Disease. Identifiers: Orphanet 3166, MedGen C0342853, MONDO:0010028, OMIM 269921.
GNE myopathy (NM). Also called: NONAKA DISTAL MYOPATHY; MYOPATHY, DISTAL, WITH OR WITHOUT RIMMED VACUOLES; INCLUSION BODY MYOPATHY, HEREDITARY, AUTOSOMAL RECESSIVE; INCLUSION BODY MYOPATHY 2, AUTOSOMAL RECESSIVE; IBM 2; Inclusion body myopathy autosomal recessive. Identifiers: Orphanet 602, MedGen C1853926, MONDO:0011603, OMIM 605820.

Allele frequency attached by ClinVar (database versions not stated): gnomAD exomes below 0.00001.

Submission:

Labcorp Genetics (formerly Invitae), Labcorp
Classification: Pathogenic for Sialuria; GNE myopathy. Last evaluated: 2022-06-23. Review status: criteria provided, single submitter. Criteria: Invitae Variant Classification Sherloc (09022015). Collection method: clinical testing. Allele origin: germline.
Comment: For these reasons, this variant has been classified as Pathogenic. ClinVar contains an entry for this variant (Variation ID: 1069453). This variant has not been reported in the literature in individuals affected with GNE-related conditions. This variant is not present in population databases (gnomAD no frequency). This sequence change creates a premature translational stop signal (p.Leu19*) in the GNE gene. It is expected to result in an absent or disrupted protein product. Loss-of-function variants in GNE are known to be pathogenic (PMID: 24027297).

Literature cited by the submitters: PubMed 24027297.

NM_001128227.3(GNE):c.55_62del (p.Glu18_Leu19insTer)

Gene: GNE (glucosamine (UDP-N-acetyl)-2-epimerase/N-acetylmannosamine kinase; minus strand). Cytogenetic location: 9p13.3.
Variant type: Deletion.
Coding change: c.55_62del on transcript NM_001128227.3 (MANE Plus Clinical); coding-DNA positions 55 to 62, 8 bases deleted (CTCTATTT; older notation c.55_62delCTCTATTT).
Protein change: p.Glu18_Leu19insTer.
Molecular consequence: nonsense. On other transcripts: 5 prime UTR variant (3), intron variant (3).
Genome position (GRCh38, 1-based): chr9:36,249,387-36,249,394, AAATAGAG deleted on the plus strand (CTCTATTT on the coding strand, the reverse complement: GNE is on the minus strand). VCF-style (leftmost placement, unchanged base first): chr9-36249386-AAAATAGAG-A. GRCh37 (hg19) VCF-style: chr9-36249383-AAAATAGAG-A.
Other names: c.-39_-32del (NM_001190383.3, NM_001374797.1, NM_005476.7); c.-13-2912_-13-2905del (NM_001190388.2, NM_001190384.3, NM_001374798.1).
Identifiers: ClinVar variation 1069453 (VCV001069453.7), dbSNP rs2133126724, ClinGen allele CA2499219902.